The following is an entry in ClinVar:

NM_058174.3(COL6A2):c.2733C>T (p.Pro911=)

Gene: COL6A2 (collagen type VI alpha 2 chain; plus strand). Cytogenetic location: 21q22.3.
Variant type: single nucleotide variant.
Coding change: c.2733C>T on transcript NM_058174.3 (MANE Plus Clinical); coding-DNA position 2733, C replaced by T.
Protein change: p.Pro911=; no amino-acid change (proline 911 retained).
Molecular consequence: synonymous variant. On other transcripts: 3 prime UTR variant (1), intron variant (1).
Genome position (GRCh38, 1-based): chr21:46,129,467, C>T. VCF-style: chr21-46129467-C-T. GRCh37 (hg19) VCF-style: chr21-47549381-C-T.
Other names: c.*539C>T (NM_058175.3); c.2462-2487C>T (NM_001849.4).
Identifiers: ClinVar variation 3049984 (VCV003049984.2), dbSNP rs147456161, ClinGen allele CA10072843.

ClinVar aggregate classification (germline): Likely benign (0 of 4 stars; one submission).

Conditions:
COL6A2-related disorder.

Allele frequency attached by ClinVar (database versions not stated): 1000 Genomes Project 30x 0.00016; ESP Exome Variant Server 0.00031.
gnomAD v4.1: 147 of 1,596,110 alleles (0.0092%); highest among the groups gnomAD compares: South Asian, 0.018%; no homozygotes.

Submission:

PreventionGenetics, part of Exact Sciences
Classification: Likely benign for COL6A2-related condition. Last evaluated: 2019-08-08. Review status: no assertion criteria provided. Collection method: clinical testing. Allele origin: germline.
Comment: This variant is classified as likely benign based on ACMG/AMP sequence variant interpretation guidelines (Richards et al. 2015 PMID: 25741868, with internal and published modifications).